The following is an entry in ClinVar:

NM_022455.5(NSD1):c.5779G>C (p.Ala1927Pro)

Gene: NSD1 (nuclear receptor binding SET domain protein 1; plus strand). Cytogenetic location: 5q35.3.
Variant type: single nucleotide variant.
Coding change: c.5779G>C on transcript NM_022455.5 (MANE Select); coding-DNA position 5779, G replaced by C.
Protein change: p.Ala1927Pro; replaces alanine 1927 with proline.
Molecular consequence: missense variant.
Genome position (GRCh38, 1-based): chr5:177,280,721, G>C. VCF-style: chr5-177280721-G-C. GRCh37 (hg19) VCF-style: chr5-176707722-G-C.
Other names: c.4906G>C, p.Ala1636Pro (NM_001409308.1, NM_001409309.1, NM_172349.5 and 1 more transcripts); c.5779G>C, p.Ala1927Pro (NM_001409301.1, NM_001409302.1, NM_001409303.1); c.5359G>C, p.Ala1787Pro (NM_001409304.1); c.5026G>C, p.Ala1676Pro (NM_001409305.1); c.5017G>C, p.Ala1673Pro (NM_001409306.1, NM_001409307.1); short protein forms A1927P, A1658P, A1636P, A1673P, A1787P, A1676P.
Identifiers: ClinVar variation 547723 (VCV000547723.3), dbSNP rs1554204128, ClinGen allele CA362313233.
Genomic context (GRCh38, chr5:177,280,721, plus strand): 5'-ATAGACTCTGAATGCATCAACCGCATGCTGCTCTATGAGTGCCACCCCACAGTGTGTCCT[G>C]CCGGAGGGCGCTGTCAAAACCAGTGCTTTTCCAAGCGCCAATATCCAGAGGTTGAAATTT-3'
Protein context (NP_071900.2, residues 1917-1937): LYECHPTVCP[Ala1927Pro]GGRCQNQCFS

ClinVar aggregate classification (germline): Uncertain significance. Review status: criteria provided, multiple submitters, no conflicts (2 of 4 stars). 2 submissions from 2 submitters: Uncertain significance (2). Last evaluated 2023-05-26.

Conditions:
Sotos syndrome (SOTOS). Also called: Distinctive facial appearance, overgrowth in childhood, and learning disabilities or delayed development; CEREBRAL GIGANTISM; Sotos' syndrome; CHROMOSOME 5q35 DELETION SYNDROME; SOTOS SYNDROME 1. Identifiers: Orphanet 821, MedGen C0175695, MONDO:0019349, OMIM 117550.

Submissions (2):

GeneDx
Classification: Uncertain significance. Last evaluated: 2023-05-26. Review status: criteria provided, single submitter. Criteria: GeneDx Variant Classification Process June 2021. Collection method: clinical testing. Allele origin: germline. Affected: yes.
Comment: Not observed at significant frequency in large population cohorts (gnomAD); In silico analysis supports that this missense variant has a deleterious effect on protein structure/function; This variant is associated with the following publications: (PMID: 29304373, 26690673)

Center for Human Genetics, Inc
Classification: Uncertain significance. Last evaluated: 2016-11-01. Review status: criteria provided, single submitter. Criteria: ACMG Guidelines, 2015. Collection method: clinical testing. Allele origin: germline. Affected: yes.